The following is an entry in ClinVar:

NM_000143.4(FH):c.1325C>G (p.Thr442Arg)

Gene: FH (fumarate hydratase; minus strand). Cytogenetic location: 1q43.
Variant type: single nucleotide variant.
Coding change: c.1325C>G on transcript NM_000143.4 (MANE Select); coding-DNA position 1325, C replaced by G.
Protein change: p.Thr442Arg; replaces threonine 442 with arginine.
Molecular consequence: missense variant.
Genome position (GRCh38, 1-based): chr1:241,500,502, G>C on the plus strand (C>G on the coding strand, the complement: FH is on the minus strand). VCF-style: chr1-241500502-G-C. GRCh37 (hg19) VCF-style: chr1-241663802-G-C.
Other names: short protein forms T442R.
Identifiers: ClinVar variation 405916 (VCV000405916.12), dbSNP rs1060500899, ClinGen allele CA16610101.

ClinVar aggregate classification (germline): Uncertain significance. Review status: criteria provided, multiple submitters, no conflicts (2 of 4 stars). 3 submissions from 3 submitters: Uncertain significance (3). Last evaluated 2025-02-09.

Conditions:
Hereditary cancer-predisposing syndrome. Also called: Hereditary Cancer Syndrome; Hereditary neoplastic syndrome; Neoplastic Syndromes, Hereditary; Tumor predisposition. Identifiers: Orphanet 140162, MedGen C0027672, MeSH D009386, MONDO:0015356.

Allele frequency attached by ClinVar (database versions not stated): TOPMed 0.00001.

Submissions (3):

Ambry Genetics
Classification: Uncertain significance for Hereditary cancer-predisposing syndrome. Last evaluated: 2025-02-09. Review status: criteria provided, single submitter. Criteria: Ambry Variant Classification Scheme 2023. Collection method: clinical testing. Allele origin: germline.
Comment: The p.T442R variant (also known as c.1325C>G), located in coding exon 9 of the FH gene, results from a C to G substitution at nucleotide position 1325. The threonine at codon 442 is replaced by arginine, an amino acid with similar properties. This amino acid position is well conserved in available vertebrate species. In addition, the in silico prediction for this alteration is inconclusive. Since supporting evidence is limited at this time, the clinical significance of this alteration remains unclear.

Labcorp Genetics (formerly Invitae), Labcorp
Classification: Uncertain significance. Last evaluated: 2024-12-21. Review status: criteria provided, single submitter. Criteria: Invitae Variant Classification Sherloc (09022015). Collection method: clinical testing. Allele origin: germline.
Comment: This sequence change replaces threonine, which is neutral and polar, with arginine, which is basic and polar, at codon 442 of the FH protein (p.Thr442Arg). This variant is not present in population databases (gnomAD no frequency). This variant has not been reported in the literature in individuals affected with FH-related conditions. ClinVar contains an entry for this variant (Variation ID: 405916). Invitae Evidence Modeling of protein sequence and biophysical properties (such as structural, functional, and spatial information, amino acid conservation, physicochemical variation, residue mobility, and thermodynamic stability) indicates that this missense variant is not expected to disrupt FH protein function with a negative predictive value of 95%. In summary, the available evidence is currently insufficient to determine the role of this variant in disease. Therefore, it has been classified as a Variant of Uncertain Significance.

Quest Diagnostics Nichols Institute San Juan Capistrano
Classification: Uncertain significance. Last evaluated: 2024-09-11. Review status: criteria provided, single submitter. Criteria: Quest Diagnostics criteria. Collection method: clinical testing. Allele origin: unknown.
Comment: The FH c.1325C>G (p.Thr442Arg) variant has not been reported in individuals with FH-related conditions in the published literature. It also has not been reported in large, multi-ethnic general populations (Genome Aggregation Database). Analysis of this variant using bioinformatics tools for the prediction of the effect of amino acid changes on protein structure and function yielded conflicting predictions that this variant is deleterious or benign. Based on the available information, we are unable to determine the clinical significance of this variant.